The following is an entry in ClinVar:

ClinVar aggregate classification (germline): Uncertain significance (1 of 4 stars; one submission).

Conditions:
Familial melanoma. Also called: Hereditary melanoma; Hereditary cutaneous melanoma. Identifiers: Orphanet 618, MedGen C1512419, MONDO:0018961.

Submission:

Labcorp Genetics (formerly Invitae), Labcorp
Classification: Uncertain significance for Familial melanoma. Last evaluated: 2023-08-30. Review status: criteria provided, single submitter. Criteria: Invitae Variant Classification Sherloc (09022015). Collection method: clinical testing. Allele origin: germline.
Comment: In summary, the available evidence is currently insufficient to determine the role of this variant in disease. Therefore, it has been classified as a Variant of Uncertain Significance. An algorithm developed to predict the effect of missense changes on protein structure and function (PolyPhen-2) suggests that this variant is likely to be tolerated. ClinVar contains an entry for this variant (Variation ID: 1519177). This variant has not been reported in the literature in individuals affected with CDK4-related conditions. This variant is not present in population databases (gnomAD no frequency). This sequence change replaces glycine, which is neutral and non-polar, with arginine, which is basic and polar, at codon 44 of the CDK4 protein (p.Gly44Arg).

NM_000075.4(CDK4):c.130G>C (p.Gly44Arg)

Genes: CDK4 (cyclin dependent kinase 4; minus strand), LOC130008148 (ATAC-STARR-seq lymphoblastoid silent region 4588; plus strand). Cytogenetic location: 12q14.1.
Variant type: single nucleotide variant.
Coding change: c.130G>C on transcript NM_000075.4 (MANE Select); coding-DNA position 130, G replaced by C.
Protein change: p.Gly44Arg; replaces glycine 44 with arginine.
Molecular consequence: missense variant.
Genome position (GRCh38, 1-based): chr12:57,751,588, C>G on the plus strand (G>C on the coding strand, the complement: CDK4 is on the minus strand). VCF-style: chr12-57751588-C-G. GRCh37 (hg19) VCF-style: chr12-58145371-C-G.
Other names: short protein forms G44R.
Identifiers: ClinVar variation 1519177 (VCV001519177.8), dbSNP rs2140388402, ClinGen allele CA385548758.
Genomic context (GRCh38, chr12:57,751,588, plus strand): 5'-CCAGTCGCCTCAGTAAAGCCACCTCACGAACTGTGCTGATGGGAAGGCCTCCTCCACCTC[C>G]TCCTCCATTGGGGACTCTCACACTCTTGAGGGCCACAAAGTGGCCACTGTGGGGATCACG-3'
Protein context (NP_000066.1, residues 34-54): LKSVRVPNGG[Gly44Arg]GGGGLPISTV